The following is an entry in ClinVar:

ClinVar aggregate classification (germline): Pathogenic (1 of 4 stars; one submission).

Submission:

Labcorp Genetics (formerly Invitae), Labcorp
Classification: Pathogenic. Last evaluated: 2022-04-12. Review status: criteria provided, single submitter. Criteria: Invitae Variant Classification Sherloc (09022015). Collection method: clinical testing. Allele origin: germline.
Comment: This variant is a gross deletion of the genomic region encompassing exon(s) 26-28 of the TTLL5 gene. This deletion is out-of-frame, and is expected to create a premature termination codon and result in an absent or disrupted protein product. Loss-of-function variants in TTLL5 are known to be pathogenic (PMID: 24791901, 27162334). This variant has not been reported in the literature in individuals affected with TTLL5-related conditions. For these reasons, this variant has been classified as Pathogenic.

Literature cited by the submitters: PubMed 24791901; PubMed 27162334.

NC_000014.8:g.(?_76249470)_(76286524_?)del

Gene: TTLL5 (tubulin tyrosine ligase like 5; plus strand). Cytogenetic location: 14q24.3.
Variant type: Deletion.
Identifiers: ClinVar variation 2426053 (VCV002426053.4).